The following is an entry in ClinVar:

NM_001923.5(DDB1):c.748C>G (p.Pro250Ala)

Gene: DDB1 (damage specific DNA binding protein 1; minus strand). Cytogenetic location: 11q12.2.
Variant type: single nucleotide variant.
Coding change: c.748C>G on transcript NM_001923.5 (MANE Select); coding-DNA position 748, C replaced by G.
Protein change: p.Pro250Ala; replaces proline 250 with alanine.
Molecular consequence: missense variant.
Genome position (GRCh38, 1-based): chr11:61,325,625, G>C on the plus strand (C>G on the coding strand, the complement: DDB1 is on the minus strand). VCF-style: chr11-61325625-G-C. GRCh37 (hg19) VCF-style: chr11-61093097-G-C.
Other names: short protein forms P250A.
Identifiers: ClinVar variation 2499223 (VCV002499223.2), dbSNP rs2539685645, ClinGen allele CA380665238.

ClinVar aggregate classification (germline): Uncertain significance (1 of 4 stars; one submission).

Submission:

GeneDx
Classification: Uncertain significance. Last evaluated: 2024-07-29. Review status: criteria provided, single submitter. Criteria: GeneDx Variant Classification Process June 2021. Collection method: clinical testing. Allele origin: germline.
Comment: Not observed at significant frequency in large population cohorts (gnomAD); In silico analysis supports that this missense variant has a deleterious effect on protein structure/function; Has not been previously published as pathogenic or benign to our knowledge